The following is an entry in ClinVar:

NM_206933.4(USH2A):c.2790G>T (p.Arg930Ser)

Genes: USH2A (usherin; minus strand), LOC122152296 (Sharpr-MPRA regulatory region 8762; plus strand). Cytogenetic location: 1q41.
Variant type: single nucleotide variant.
Coding change: c.2790G>T on transcript NM_206933.4 (MANE Select); coding-DNA position 2790, G replaced by T.
Protein change: p.Arg930Ser; replaces arginine 930 with serine.
Molecular consequence: missense variant.
Genome position (GRCh38, 1-based): chr1:216,246,604, C>A on the plus strand (G>T on the coding strand, the complement: USH2A is on the minus strand). VCF-style: chr1-216246604-C-A. GRCh37 (hg19) VCF-style: chr1-216419946-C-A.
Other names: c.2790G>T, p.Arg930Ser (NM_007123.6); short protein forms R930S.
Identifiers: ClinVar variation 3010915 (VCV003010915.3), dbSNP rs539673747, ClinGen allele CA344864031.
Genomic context (GRCh38, chr1:216,246,604, plus strand): 5'-ATGTCATTGTGCACTGAAAATGTAATACATTTCTTTCTTACCTGGTTGACACTGATTACA[C>A]CTTCTTCCTTGACGATTAGGCACACACAGGCACTGGCCACTGATTGGGTCACAAATGGTC-3'
Protein context (NP_996816.3, residues 920-940): CLCVPNRQGR[Arg930Ser]CNQCQPGFYI

ClinVar aggregate classification (germline): Uncertain significance (1 of 4 stars; one submission).

Allele frequency attached by ClinVar (database versions not stated): gnomAD exomes below 0.00001.
gnomAD v4.1: 1 of 1,614,054 alleles (0.000062%); highest among the groups gnomAD compares: South Asian, 0.0011%; no homozygotes.

Submission:

Labcorp Genetics (formerly Invitae), Labcorp
Classification: Uncertain significance. Last evaluated: 2023-09-29. Review status: criteria provided, single submitter. Criteria: Invitae Variant Classification Sherloc (09022015). Collection method: clinical testing. Allele origin: germline.
Comment: This sequence change replaces arginine, which is basic and polar, with serine, which is neutral and polar, at codon 930 of the USH2A protein (p.Arg930Ser). In summary, the available evidence is currently insufficient to determine the role of this variant in disease. Therefore, it has been classified as a Variant of Uncertain Significance. Advanced modeling of protein sequence and biophysical properties (such as structural, functional, and spatial information, amino acid conservation, physicochemical variation, residue mobility, and thermodynamic stability) performed at Invitae indicates that this missense variant is not expected to disrupt USH2A protein function. This variant has not been reported in the literature in individuals affected with USH2A-related conditions. This variant is not present in population databases (gnomAD no frequency).